The following is an entry in ClinVar:

NM_001321120.2(TBX4):c.40T>C (p.Phe14Leu)

Gene: TBX4 (T-box transcription factor 4; plus strand). Cytogenetic location: 17q23.2.
Variant type: single nucleotide variant.
Coding change: c.40T>C on transcript NM_001321120.2 (MANE Select); coding-DNA position 40, T replaced by C.
Protein change: p.Phe14Leu; replaces phenylalanine 14 with leucine.
Molecular consequence: missense variant.
Genome position (GRCh38, 1-based): chr17:61,456,530, T>C. VCF-style: chr17-61456530-T-C. GRCh37 (hg19) VCF-style: chr17-59533891-T-C.
Other names: c.40T>C, p.Phe14Leu (NM_018488.3); short protein forms F14L.
Identifiers: ClinVar variation 3344544 (VCV003344544.1).

ClinVar aggregate classification (germline): Uncertain significance (0 of 4 stars; one submission).

Conditions:
TBX4-related disorder. Also called: TBX4-related disorders; TBX4-related condition.

Submission:

PreventionGenetics, part of Exact Sciences
Classification: Uncertain significance for TBX4-related condition. Last evaluated: 2024-06-15. Review status: no assertion criteria provided. Collection method: clinical testing. Allele origin: germline.
Comment: The TBX4 c.40T>C variant is predicted to result in the amino acid substitution p.Phe14Leu. To our knowledge, this variant has not been reported in the literature or in a large population database, indicating this variant is rare. At this time, the clinical significance of this variant is uncertain due to the absence of conclusive functional and genetic evidence.